The following is an entry in ClinVar:

ClinVar aggregate classification (germline): Conflicting classifications of pathogenicity. Review status: criteria provided, conflicting classifications (1 of 4 stars). 2 submissions from 2 submitters: Uncertain significance (1); Likely benign (1). Last evaluated 2024-12-10.

Conditions:
Inborn genetic diseases. Identifiers: MedGen C0950123, MeSH D030342.

Allele frequency attached by ClinVar (database versions not stated): gnomAD exomes 0.00004; TOPMed 0.00004; gnomAD 0.00005; ExAC 0.00009.

Submissions (2):

Labcorp Genetics (formerly Invitae), Labcorp
Classification: Uncertain significance. Last evaluated: 2024-12-10. Review status: criteria provided, single submitter. Criteria: Invitae Variant Classification Sherloc (09022015). Collection method: clinical testing. Allele origin: germline.
Comment: This sequence change replaces serine, which is neutral and polar, with leucine, which is neutral and non-polar, at codon 276 of the CDK13 protein (p.Ser276Leu). The frequency data for this variant in the population databases is considered unreliable, as metrics indicate poor data quality at this position in the gnomAD database. This variant has not been reported in the literature in individuals affected with CDK13-related conditions. ClinVar contains an entry for this variant (Variation ID: 2603588). Invitae Evidence Modeling of protein sequence and biophysical properties (such as structural, functional, and spatial information, amino acid conservation, physicochemical variation, residue mobility, and thermodynamic stability) indicates that this missense variant is not expected to disrupt CDK13 protein function with a negative predictive value of 95%. In summary, the available evidence is currently insufficient to determine the role of this variant in disease. Therefore, it has been classified as a Variant of Uncertain Significance.

Ambry Genetics
Classification: Likely benign for Inborn genetic diseases. Last evaluated: 2023-08-15. Review status: criteria provided, single submitter. Criteria: Ambry Variant Classification Scheme 2023. Collection method: clinical testing. Allele origin: germline.

NM_003718.5(CDK13):c.827C>T (p.Ser276Leu)

Gene: CDK13 (cyclin dependent kinase 13; plus strand). Cytogenetic location: 7p14.1.
Variant type: single nucleotide variant.
Coding change: c.827C>T on transcript NM_003718.5 (MANE Select); coding-DNA position 827, C replaced by T.
Protein change: p.Ser276Leu; replaces serine 276 with leucine.
Molecular consequence: missense variant.
Genome position (GRCh38, 1-based): chr7:39,951,468, C>T. VCF-style: chr7-39951468-C-T. GRCh37 (hg19) VCF-style: chr7-39991067-C-T.
Other names: c.827C>T, p.Ser276Leu (NM_031267.4); short protein forms S276L.
Identifiers: ClinVar variation 2603588 (VCV002603588.3), dbSNP rs757519926, ClinGen allele CA4228335.
Genomic context (GRCh38, chr7:39,951,468, plus strand): 5'-GCCGCCGGAAAAGCGCTTCGGCCACATCCAGCAGCAGTAGCAGCCGCAAGGACCGGGACT[C>T]GAAGGCCCACCGCAGCCGGACTAAGTCGTCCAAGGAGCCGCCTTCGGCCTACAAGGAACC-3'
Protein context (NP_003709.3, residues 266-286): SSSSSRKDRD[Ser276Leu]KAHRSRTKSS